The following is an entry in ClinVar:

NM_001395159.1(UNC79):c.4940G>A (p.Arg1647Lys)

Gene: UNC79 (unc-79 subunit of NALCN channel complex; plus strand). Cytogenetic location: 14q32.12.
Variant type: single nucleotide variant.
Coding change: c.4940G>A on transcript NM_001395159.1 (MANE Select); coding-DNA position 4940, G replaced by A.
Protein change: p.Arg1647Lys; replaces arginine 1647 with lysine.
Molecular consequence: missense variant.
Genome position (GRCh38, 1-based): chr14:93,621,957, G>A. VCF-style: chr14-93621957-G-A. GRCh37 (hg19) VCF-style: chr14-94088303-G-A.
Other names: c.4874G>A, p.Arg1625Lys (NM_001346218.2); c.4193G>A, p.Arg1398Lys (NM_020818.5); short protein forms R1647K, R1398K, R1625K.
Identifiers: ClinVar variation 5009405 (VCV005009405.1).
Genomic context (GRCh38, chr14:93,621,957, plus strand): 5'-GGCCTGACAATAGTGAAATCCCCGAGAACCCAGCTATGGAAGGGTTTCCAGATGCTCGAA[G>A]GCCTGTCATACCAGAGGTTAGGTTAAACTGTATGGAGACTTTCGAGGTGAAAGTTGACTC-3'
Protein context (NP_001382088.1, residues 1637-1657): PAMEGFPDAR[Arg1647Lys]PVIPEVRLNC

ClinVar aggregate classification (germline): Uncertain significance (1 of 4 stars; one submission).

Submission:

GeneDx
Classification: Uncertain significance. Last evaluated: 2026-03-20. Review status: criteria provided, single submitter. Criteria: GeneDx Variant Classification Process June 2021. Collection method: clinical testing. Allele origin: germline.
Comment: Not observed at significant frequency in large population cohorts (gnomAD); In silico analysis suggests that this missense variant does not alter protein structure/function; Has not been previously published as pathogenic or benign to our knowledge